The following is an entry in ClinVar:

ClinVar aggregate classification (germline): Pathogenic (1 of 4 stars; one submission).

Conditions:
Hereditary cancer-predisposing syndrome. Also called: Tumor predisposition; Hereditary Cancer Syndrome; Neoplastic Syndromes, Hereditary; Hereditary neoplastic syndrome. Identifiers: Orphanet 140162, MedGen C0027672, MeSH D009386, MONDO:0015356.

Submission:

Ambry Genetics
Classification: Pathogenic for Hereditary cancer-predisposing syndrome. Last evaluated: 2021-01-26. Review status: criteria provided, single submitter. Criteria: Ambry Variant Classification Scheme 2023. Collection method: clinical testing. Allele origin: germline.
Comment: The p.G864* variant (also known as c.2590G>T), located in coding exon 4 of the MSH6 gene, results from a G to T substitution at nucleotide position 2590. This changes the amino acid from a glycine to a stop codon within coding exon 4. This alteration was identified in the homozygous state in an individual with Constitutional Mismatch Repair Deficiency syndrome (CMMRD) who was diagnosed with Wilms Tumor, Glioblastoma and T-cell leukemia (Citak EC et al. J Pediatr Hematol Oncol, 2019 Dec;:). In addition to the clinical data presented in the literature, this alteration is expected to result in loss of function by premature protein truncation or nonsense-mediated mRNA decay. As such, this alteration is interpreted as a disease-causing mutation.

Literature cited by the submitters: PubMed 31815888.

NM_000179.3(MSH6):c.2590G>T (p.Gly864Ter)

Gene: MSH6 (mutS homolog 6; plus strand). Cytogenetic location: 2p16.3.
Variant type: single nucleotide variant.
Coding change: c.2590G>T on transcript NM_000179.3 (MANE Select); coding-DNA position 2590, G replaced by T.
Protein change: p.Gly864Ter; replaces glycine 864 with a stop codon.
Molecular consequence: nonsense.
Genome position (GRCh38, 1-based): chr2:47,800,573, G>T. VCF-style: chr2-47800573-G-T. GRCh37 (hg19) VCF-style: chr2-48027712-G-T.
Other names: c.2200G>T, p.Gly734Ter (NM_001281492.2); c.1684G>T, p.Gly562Ter (NM_001281493.2, NM_001281494.2, NM_001406811.1 and 6 more transcripts); c.2686G>T, p.Gly896Ter (NM_001406795.1, NM_001406802.1); c.2590G>T, p.Gly864Ter (NM_001406796.1, NM_001406798.1, NM_001406800.1 and 2 more transcripts); c.2293G>T, p.Gly765Ter (NM_001406797.1, NM_001406801.1, NM_001406805.1 and 10 more transcripts); c.2065G>T, p.Gly689Ter (NM_001406799.1, NM_001406806.1, NM_001406807.1); c.2512G>T, p.Gly838Ter (NM_001406804.1); c.2596G>T, p.Gly866Ter (NM_001406813.1); and 1 more; short protein forms G562*, G864*, G896*, G765*, G808*, G866*, G689*, G734*.
Identifiers: ClinVar variation 1793521 (VCV001793521.2), dbSNP rs1669485106, ClinGen allele CA346754856.
Genomic context (GRCh38, chr2:47,800,573, plus strand): 5'-ATGTATGAAGAAACTACATACAGCAAGAAGAAGATTATTGATTTTCTTTCTGCTCTGGAA[G>T]GATTCAAAGTAATGTGTAAAATTATAGGGATCATGGAAGAAGTTGCTGATGGTTTTAAGT-3'